The following is an entry in ClinVar:

NM_007294.4(BRCA1):c.5074+2T>G

Gene: BRCA1 (BRCA1 DNA repair associated; minus strand). Cytogenetic location: 17q21.31.
Variant type: single nucleotide variant.
Coding change: c.5074+2T>G on transcript NM_007294.4 (MANE Select); the canonical splice donor site of the intron after coding-DNA position 5074, T replaced by G.
Molecular consequence: splice donor variant. On other transcripts: intron variant (1).
Genome position (GRCh38, 1-based): chr17:43,067,606, A>C on the plus strand (T>G on the coding strand, the complement: BRCA1 is on the minus strand). VCF-style: chr17-43067606-A-C. GRCh37 (hg19) VCF-style: chr17-41219623-A-C.
Other names: c.4930+2T>G (NM_001407736.1, NM_001407742.1, NM_001407945.1 and 21 more transcripts); c.4933+2T>G (NM_007297.4, NM_001407728.1, NM_001407725.1 and 13 more transcripts); c.1561+2T>G (NM_001408475.1, NM_001408476.1); c.4867+2T>G (NM_001407875.1, NM_001407874.1); c.4990+2T>G (NM_001407659.1, NM_001407662.1, NM_001407660.1 and 2 more transcripts); c.1684+2T>G (NM_001408412.1, NM_001408416.1, NM_001408414.1 and 2 more transcripts); c.4993+2T>G (NM_001407656.1, NM_001407657.1, NM_001407658.1); c.4996+2T>G (NM_001407654.1, NM_001407655.1, NM_001407653.1); and 71 more.
Identifiers: ClinVar variation 864906 (VCV000864906.3), dbSNP rs80358089, ClinGen allele CA10591374.

Conditions:
Breast-ovarian cancer, familial, susceptibility to, 1 (BROVCA1). Also called: BRCA1 Hereditary Breast and Ovarian Cancer; OVARIAN CANCER, SUSCEPTIBILITY TO. Identifiers: Orphanet 145, MedGen C2676676, MONDO:0011450, OMIM 604370. Disease mechanism: loss of function.

Submission:

Brotman Baty Institute, University of Washington
No classification provided (evidence only). Condition: Breast-ovarian cancer, familial 1. Review status: no classification provided. Collection method: in vitro. Allele origin: not applicable. Functional consequence: functionally_abnormal.
ClinVar note: "not provided" was previously submitted as the classification for the variant. However, the classification appeared to be based only on an observation of functional data so it was converted to no classification on 2025-07-30.